The following is an entry in ClinVar:

NM_000100.4(CSTB):c.-12G>A

Genes: CSTB (cystatin B; minus strand), LOC130066788 (ATAC-STARR-seq lymphoblastoid silent region 13368; plus strand). Cytogenetic location: 21q22.3.
Variant type: single nucleotide variant.
Coding change: c.-12G>A on transcript NM_000100.4 (MANE Select); 12 bases upstream of the start codon, G replaced by A.
Molecular consequence: 5 prime UTR variant.
Genome position (GRCh38, 1-based): chr21:43,776,281, C>T on the plus strand (G>A on the coding strand, the complement: CSTB is on the minus strand). VCF-style: chr21-43776281-C-T. GRCh37 (hg19) VCF-style: chr21-45196162-C-T.
Identifiers: ClinVar variation 510088 (VCV000510088.6), dbSNP rs779920568, ClinGen allele CA10048953.
Genomic context (GRCh38, chr21:43,776,281, plus strand): 5'-GGGTCTCGGCGGTGGCCGGCTGCGTGGCGGAGGGCGCCCCGCACATCATCTTGGCGGCGA[C>T]GGAGGGAATCTGGCGAGGGGACTCGGCGAGGGGACGCGGCGGCTCCTCAGCCCAAGTAGG-3'

ClinVar aggregate classification (germline): Conflicting classifications of pathogenicity. Review status: criteria provided, conflicting classifications (1 of 4 stars). 3 submissions from 3 submitters: Uncertain significance (1); Likely benign (2). Last evaluated 2024-09-02.

Conditions:
Unverricht-Lundborg syndrome. Also called: Unverricht-Lundborg Disease; Myoclonic epilepsy of unverricht and lundborg; Progressive myoclonus epilepsy baltic myoclonic epilepsy; Myoclonus progressive epilepsy of Unverricht and Lundborg; Epilepsy, progressive myoclonic 1A (Unverricht and Lundborg); EPILEPSY, PROGRESSIVE MYOCLONIC, 1A. Identifiers: Orphanet 308, MedGen C0751785, MONDO:0009698, OMIM 254800.

Allele frequency attached by ClinVar (database versions not stated): gnomAD exomes 0.00007 and 0.00014; TOPMed 0.00008; gnomAD 0.00009 and 0.00010; ExAC 0.00023.
gnomAD v4.1: 203 of 1,528,456 alleles (0.013%); highest among the groups gnomAD compares: Middle Eastern, 0.12%; no homozygotes.

Submissions (3):

Blueprint Genetics
Classification: Likely benign. Last evaluated: 2024-09-02. Review status: criteria provided, single submitter. Criteria: ACMG Guidelines, 2015. Collection method: clinical testing. Allele origin: germline.

Illumina Laboratory Services, Illumina
Classification: Uncertain significance for Unverricht-Lundborg syndrome. Last evaluated: 2018-01-13. Review status: criteria provided, single submitter. Criteria: ICSL Variant Classification Criteria 13 December 2019. Collection method: clinical testing. Allele origin: germline.

GeneDx
Classification: Likely benign. Last evaluated: 2018-01-05. Review status: criteria provided, single submitter. Criteria: GeneDx Variant Classification (06012015). Collection method: clinical testing. Allele origin: germline. Affected: yes.
Comment: This variant is considered likely benign or benign based on one or more of the following criteria: it is a conservative change, it occurs at a poorly conserved position in the protein, it is predicted to be benign by multiple in silico algorithms, and/or has population frequency not consistent with disease.